The following is an entry in ClinVar:

NM_020822.3(KCNT1):c.2076C>T (p.Gly692=)

Gene: KCNT1 (potassium sodium-activated channel subfamily T member 1; plus strand). Cytogenetic location: 9q34.3.
Variant type: single nucleotide variant.
Coding change: c.2076C>T on transcript NM_020822.3 (MANE Select); coding-DNA position 2076, C replaced by T.
Protein change: p.Gly692=; no amino-acid change (glycine 692 retained).
Molecular consequence: synonymous variant.
Genome position (GRCh38, 1-based): chr9:135,772,782, C>T. VCF-style: chr9-135772782-C-T. GRCh37 (hg19) VCF-style: chr9-138664628-C-T.
Other names: c.1941C>T, p.Gly647= (NM_001272003.2).
Identifiers: ClinVar variation 672191 (VCV000672191.4), dbSNP rs1267885761, ClinGen allele CA467820758.

ClinVar aggregate classification (germline): Likely benign. Review status: criteria provided, multiple submitters, no conflicts (2 of 4 stars). 2 submissions from 2 submitters: Likely benign (2). Last evaluated 2023-08-24.

Conditions:
Autosomal dominant nocturnal frontal lobe epilepsy 5. Also called: Epilepsy, nocturnal frontal lobe, 5; KCNT1-Related Epilepsy; CILIARY DYSKINESIA, PRIMARY, 28, WITHOUT SITUS INVERSUS; CILIARY DYSKINESIA, PRIMARY, 28, WITH SITUS INVERSUS. Identifiers: Orphanet 98784, MedGen C3554306, MONDO:0014002, OMIM 615005.
Developmental and epileptic encephalopathy, 14 (DEE14). Also called: Early infantile epileptic encephalopathy 14. Identifiers: Orphanet 293181, MedGen C3554195, MONDO:0013989, OMIM 614959.

Allele frequency attached by ClinVar (database versions not stated): gnomAD exomes 0.00001 and 0.00003; TOPMed 0.00001.
gnomAD v4.1: 8 of 1,490,430 alleles (0.00054%); highest among the groups gnomAD compares: East Asian, 0.02%; no homozygotes.

Submissions (2):

Labcorp Genetics (formerly Invitae), Labcorp
Classification: Likely benign for Autosomal dominant nocturnal frontal lobe epilepsy 5; Developmental and epileptic encephalopathy, 14. Last evaluated: 2023-08-24. Review status: criteria provided, single submitter. Criteria: Invitae Variant Classification Sherloc (09022015). Collection method: clinical testing. Allele origin: germline.

GeneDx
Classification: Likely benign. Last evaluated: 2018-06-19. Review status: criteria provided, single submitter. Criteria: GeneDx Variant Classification (06012015). Collection method: clinical testing. Allele origin: germline. Affected: yes.
Comment: This variant is considered likely benign or benign based on one or more of the following criteria: it is a conservative change, it occurs at a poorly conserved position in the protein, it is predicted to be benign by multiple in silico algorithms, and/or has population frequency not consistent with disease.